The following is an entry in ClinVar:

ClinVar aggregate classification (germline): Uncertain significance (1 of 4 stars; one submission).

Conditions:
TH-deficient dopa-responsive dystonia. Also called: Tyrosine Hydroxylase-Deficient Dopa-Responsive Dystonia; Segawa syndrome, autosomal recessive; DYT-TH. Identifiers: Orphanet 101150, MedGen C2673535, MONDO:0011551, OMIM 605407.

gnomAD v4.1: 3 of 1,612,078 alleles (0.00019%); highest among the groups gnomAD compares: Non-Finnish European, 0.00017%; no homozygotes.

Submission:

Labcorp Genetics (formerly Invitae), Labcorp
Classification: Uncertain significance for TH-deficient dopa-responsive dystonia. Last evaluated: 2022-02-25. Review status: criteria provided, single submitter. Criteria: Invitae Variant Classification Sherloc (09022015). Collection method: clinical testing. Allele origin: germline.
Comment: In summary, the available evidence is currently insufficient to determine the role of this variant in disease. Therefore, it has been classified as a Variant of Uncertain Significance. Algorithms developed to predict the effect of missense changes on protein structure and function are either unavailable or do not agree on the potential impact of this missense change (SIFT: "Deleterious"; PolyPhen-2: "Probably Damaging"; Align-GVGD: "Class C0"). This variant has not been reported in the literature in individuals affected with TH-related conditions. This variant is not present in population databases (gnomAD no frequency). This sequence change replaces proline, which is neutral and non-polar, with leucine, which is neutral and non-polar, at codon 4 of the TH protein (p.Pro4Leu).

NM_000360.4(TH):c.11C>T (p.Pro4Leu)

Gene: TH (tyrosine hydroxylase; minus strand). Cytogenetic location: 11p15.5.
Variant type: single nucleotide variant.
Coding change: c.11C>T on transcript NM_000360.4 (MANE Select); coding-DNA position 11, C replaced by T.
Protein change: p.Pro4Leu; replaces proline 4 with leucine.
Molecular consequence: missense variant.
Genome position (GRCh38, 1-based): chr11:2,171,776, G>A on the plus strand (C>T on the coding strand, the complement: TH is on the minus strand). VCF-style: chr11-2171776-G-A. GRCh37 (hg19) VCF-style: chr11-2193006-G-A.
Other names: c.11C>T, p.Pro4Leu (NM_199292.3, NM_199293.3); short protein forms P4L.
Identifiers: ClinVar variation 2103686 (VCV002103686.4), dbSNP rs2495843389, ClinGen allele CA379112908.